The following is an entry in ClinVar:

ClinVar aggregate classification (germline): Likely pathogenic (1 of 4 stars; one submission).

Conditions:
Early-infantile DEE. Also called: Ohtahara syndrome; Early infantile epileptic encephalopathy with suppression bursts; Early infantile epileptic encephalopathy. Identifiers: Orphanet 1934, MedGen C0393706, MONDO:0800491.

Submission:

Labcorp Genetics (formerly Invitae), Labcorp
Classification: Likely pathogenic for Early-infantile DEE. Last evaluated: 2020-08-16. Review status: criteria provided, single submitter. Criteria: Invitae Variant Classification Sherloc (09022015). Collection method: clinical testing. Allele origin: germline.
Comment: This sequence change replaces histidine with tyrosine at codon 324 of the KCNQ2 protein (p.His324Tyr). The histidine residue is moderately conserved and there is a moderate physicochemical difference between histidine and tyrosine. In summary, the currently available evidence indicates that the variant is pathogenic, but additional data are needed to prove that conclusively. Therefore, this variant has been classified as Likely Pathogenic. This variant disrupts the p.His324 amino acid residue in KCNQ2. Other variant(s) that disrupt this residue have been observed in individuals with KCNQ2-related conditions (PMID: 24371303), which suggests that this may be a clinically significant amino acid residue. Algorithms developed to predict the effect of missense changes on protein structure and function are either unavailable or do not agree on the potential impact of this missense change (SIFT: "Deleterious"; PolyPhen-2: "Probably Damaging"; Align-GVGD: "Class C0"). This variant has been observed in individual(s) with clinical features of KCNQ2-related conditions (Invitae). In at least one individual the variant was observed to be de novo. This variant is not present in population databases (ExAC no frequency).

Literature cited by the submitters: PubMed 24371303.

NM_172107.4(KCNQ2):c.970C>T (p.His324Tyr)

Gene: KCNQ2 (potassium voltage-gated channel subfamily Q member 2; minus strand). Cytogenetic location: 20q13.33.
Variant type: single nucleotide variant.
Coding change: c.970C>T on transcript NM_172107.4 (MANE Select); coding-DNA position 970, C replaced by T.
Protein change: p.His324Tyr; replaces histidine 324 with tyrosine.
Molecular consequence: missense variant.
Genome position (GRCh38, 1-based): chr20:63,438,678, G>A on the plus strand (C>T on the coding strand, the complement: KCNQ2 is on the minus strand). VCF-style: chr20-63438678-G-A. GRCh37 (hg19) VCF-style: chr20-62070031-G-A.
Other names: c.970C>T, p.His324Tyr (NM_001382235.1, NM_004518.6, NM_172106.3 and 2 more transcripts); short protein forms H324Y.
Identifiers: ClinVar variation 1066649 (VCV001066649.10), dbSNP rs2145712459, ClinGen allele CA409652210.